The following is an entry in ClinVar:

NM_005982.4(SIX1):c.534A>T (p.Arg178Ser)

Genes: MIR9718 (microRNA 9718; plus strand), SIX1 (SIX homeobox 1; minus strand). Cytogenetic location: 14q23.1.
Variant type: single nucleotide variant.
Coding change: c.534A>T on transcript NM_005982.4 (MANE Select); coding-DNA position 534, A replaced by T.
Protein change: p.Arg178Ser; replaces arginine 178 with serine.
Molecular consequence: missense variant. On other transcripts: non-coding transcript variant (1), intron variant (1).
Genome position (GRCh38, 1-based): chr14:60,648,656, T>A on the plus strand (A>T on the coding strand, the complement: SIX1 is on the minus strand). VCF-style: chr14-60648656-T-A. GRCh37 (hg19) VCF-style: chr14-61115374-T-A.
Other names: c.501+33A>T (NM_001425142.1); short protein forms R178S.
Identifiers: ClinVar variation 4829481 (VCV004829481.1).

ClinVar aggregate classification (germline): Likely pathogenic (1 of 4 stars; one submission).

Conditions:
Inborn genetic diseases. Identifiers: MedGen C0950123, MeSH D030342.

Submission:

Ambry Genetics
Classification: Likely pathogenic for Inborn genetic diseases. Last evaluated: 2026-01-09. Review status: criteria provided, single submitter. Criteria: Ambry Variant Classification Scheme 2023. Collection method: clinical testing. Allele origin: germline.
Comment: The c.534A>T (p.R178S) alteration is located in coding exon 1 of the SIX1 gene. This alteration results from an A to T substitution at nucleotide position 534, causing the arginine (R) at amino acid position 178 to be replaced by a serine (S). This variant was not reported in population-based cohorts in the Genome Aggregation Database (gnomAD). This amino acid position is highly conserved in available vertebrate species. This alteration is predicted to be deleterious by in silico analysis. Based on the available evidence, this alteration is classified as likely pathogenic.